The following is an entry in ClinVar:

NM_001042492.3(NF1):c.6203C>G (p.Thr2068Ser)

Gene: NF1 (neurofibromin 1; plus strand). Cytogenetic location: 17q11.2.
Variant type: single nucleotide variant.
Coding change: c.6203C>G on transcript NM_001042492.3 (MANE Select); coding-DNA position 6203, C replaced by G.
Protein change: p.Thr2068Ser; replaces threonine 2068 with serine.
Molecular consequence: missense variant.
Genome position (GRCh38, 1-based): chr17:31,336,690, C>G. VCF-style: chr17-31336690-C-G. GRCh37 (hg19) VCF-style: chr17-29663708-C-G.
Other names: c.6140C>G, p.Thr2047Ser (NM_000267.4); short protein forms T2047S, T2068S.
Identifiers: ClinVar variation 580384 (VCV000580384.13), dbSNP rs876659172, ClinGen allele CA399011878.

ClinVar aggregate classification (germline): Uncertain significance. Review status: criteria provided, multiple submitters, no conflicts (2 of 4 stars). 3 submissions from 3 submitters: Uncertain significance (3). Last evaluated 2022-03-15.

Conditions:
Cardiovascular phenotype. Identifiers: MedGen CN230736.
Hereditary cancer-predisposing syndrome. Also called: Hereditary neoplastic syndrome; Tumor predisposition; Hereditary Cancer Syndrome; Neoplastic Syndromes, Hereditary. Identifiers: Orphanet 140162, MedGen C0027672, MeSH D009386, MONDO:0015356.
Neurofibromatosis, type 1 (NF1). Also called: Peripheral type neurofibromatosis; Neurofibromatosis, type I; VON RECKLINGHAUSEN DISEASE; NEUROFIBROMATOSIS, TYPE I, SOMATIC. Identifiers: Orphanet 636, MedGen C0027831, MONDO:0018975, OMIM 162200. Disease mechanism: loss of function.

Allele frequency attached by ClinVar (database versions not stated): gnomAD exomes below 0.00001.
gnomAD v4.1: 1 of 1,613,702 alleles (0.000062%); highest among the groups gnomAD compares: Non-Finnish European, 0.000085%; no homozygotes.

Submissions (3):

Genome-Nilou Lab
Classification: Uncertain significance for Neurofibromatosis, type 1. Last evaluated: 2022-03-15. Review status: criteria provided, single submitter. Criteria: ACMG Guidelines, 2015. Collection method: clinical testing. Allele origin: germline. Affected: no.

Labcorp Genetics (formerly Invitae), Labcorp
Classification: Uncertain significance for Neurofibromatosis, type 1. Last evaluated: 2019-11-08. Review status: criteria provided, single submitter. Criteria: Invitae Variant Classification Sherloc (09022015). Collection method: clinical testing. Allele origin: germline.
Comment: This sequence change replaces threonine with serine at codon 2047 of the NF1 protein (p.Thr2047Ser). The threonine residue is moderately conserved and there is a small physicochemical difference between threonine and serine. This variant is not present in population databases (ExAC no frequency). This variant has not been reported in the literature in individuals with NF1-related disease. Algorithms developed to predict the effect of missense changes on protein structure and function are either unavailable or do not agree on the potential impact of this missense change (SIFT: "Tolerated"; PolyPhen-2: "Probably Damaging"; Align-GVGD: "Class C0"). Algorithms developed to predict the effect of sequence changes on RNA splicing suggest that this variant may create or strengthen a splice site, but this prediction has not been confirmed by published transcriptional studies. In summary, the available evidence is currently insufficient to determine the role of this variant in disease. Therefore, it has been classified as a Variant of Uncertain Significance.

Ambry Genetics
Classification: Uncertain significance for Cardiovascular phenotype; Hereditary cancer-predisposing syndrome. Last evaluated: 2019-09-17. Review status: criteria provided, single submitter. Criteria: Ambry Variant Classification Scheme 2023. Collection method: clinical testing. Allele origin: germline.
Comment: The p.T2047S variant (also known as c.6140C>G), located in coding exon 41 of the NF1 gene, results from a C to G substitution at nucleotide position 6140. The threonine at codon 2047 is replaced by serine, an amino acid with similar properties. This amino acid position is highly conserved in available vertebrate species. In addition, this alteration is predicted to be tolerated by in silico analysis. Since supporting evidence is limited at this time, the clinical significance of this alteration remains unclear.